The following is an entry in ClinVar:

NM_001374828.1(ARID1B):c.1681del (p.Asp561fs)

Gene: ARID1B (AT-rich interaction domain 1B; plus strand). Cytogenetic location: 6q25.3.
Variant type: Deletion.
Coding change: c.1681del on transcript NM_001374828.1 (MANE Select); coding-DNA position 1681, one base deleted (G; older notation c.1681delG).
Protein change: p.Asp561fs; shifts the reading frame from aspartic acid 561.
Molecular consequence: frameshift variant.
Genome position (GRCh38, 1-based): chr6:156,779,361, G deleted; the last of 2 consecutive G bases (chr6:156,779,360-156,779,361); deleting either gives the same sequence. VCF-style (leftmost placement, unchanged base first): chr6-156779359-AG-A. GRCh37 (hg19) VCF-style: chr6-157100493-AG-A.
Other names: c.1681del, p.Asp561fs (NM_001371656.1, NM_001374820.1, NM_017519.3); short protein forms D561fs.
Identifiers: ClinVar variation 1098402 (VCV001098402.2), dbSNP rs2115003519, ClinGen allele CA2499218156.

ClinVar aggregate classification (germline): Pathogenic (1 of 4 stars; one submission).

Submission:

Genetics Laboratory, UDIAT-Centre Diagnòstic, Hospital Universitari Parc Tauli
Classification: Pathogenic. Last evaluated: 2021-04-26. Review status: criteria provided, single submitter. Criteria: Parc Tauli Hospital Assertion Criteria 2021. Collection method: clinical testing. Allele origin: de novo. Inheritance: Autosomal dominant inheritance. Affected: yes. Observed: 1 heterozygote.
Comment: PVS1_very strong;PM2_supporting;PM6_moderate;PP3_supporting